The following is an entry in ClinVar:

ClinVar aggregate classification (germline): Benign/Likely benign. Review status: criteria provided, multiple submitters, no conflicts (2 of 4 stars). 3 submissions from 2 submitters: Benign (1); Likely benign (2). Last evaluated 2026-02-01.

Conditions:
Achromatopsia. Also called: Rod monochromatism. Identifiers: Orphanet 49382, MedGen C0152200, MONDO:0018852, HP:0011516.
Cone dystrophy 4 (COD4). Identifiers: Orphanet 49382, MedGen C2751308, MONDO:0013129, OMIM 613093.

Allele frequency attached by ClinVar (database versions not stated): gnomAD exomes 0.00073 and 0.00209; ExAC 0.00275; gnomAD 0.00747 and 0.00810; ESP Exome Variant Server 0.00807; TOPMed 0.00862; 1000 Genomes Project 0.00938; 1000 Genomes Project 30x 0.01046.
gnomAD v4.1: 2,250 of 1,587,616 alleles (0.14%); highest among the groups gnomAD compares: African/African-American, 2.6%; 29 homozygotes.

Submissions (3):

Labcorp Genetics (formerly Invitae), Labcorp
Classification: Benign. Last evaluated: 2026-02-01. Review status: criteria provided, single submitter. Criteria: Invitae Variant Classification Sherloc (09022015). Collection method: clinical testing. Allele origin: germline.

Illumina Laboratory Services, Illumina
Classification: Likely benign for Achromatopsia. Last evaluated: 2018-01-13. Review status: criteria provided, single submitter. Criteria: ICSL Variant Classification Criteria 13 December 2019. Collection method: clinical testing. Allele origin: germline.
Comment: This variant was observed in the ICSL laboratory as part of a predisposition screen in an ostensibly healthy population. It had not been previously curated by ICSL or reported in the Human Gene Mutation Database (HGMD: prior to June 1st, 2018), and was therefore a candidate for classification through an automated scoring system. Utilizing variant allele frequency, disease prevalence and penetrance estimates, and inheritance mode, an automated score was calculated to assess if this variant is too frequent to cause the disease. Based on the score and internal cut-off values, a variant classified as likely benign is not then subjected to further curation. The score for this variant resulted in a classification of likely benign for this disease.

Illumina Laboratory Services, Illumina
Classification: Likely benign for Cone dystrophy 4. Last evaluated: 2018-01-13. Review status: criteria provided, single submitter. Criteria: ICSL Variant Classification Criteria 13 December 2019. Collection method: clinical testing. Allele origin: germline.
Comment: the same text as in the submission from Illumina Laboratory Services, Illumina above.

NM_006204.4(PDE6C):c.2208+14A>C

Gene: PDE6C (phosphodiesterase 6C; plus strand). Cytogenetic location: 10q23.33.
Variant type: single nucleotide variant.
Coding change: c.2208+14A>C on transcript NM_006204.4 (MANE Select); 14 bases into the intron after coding-DNA position 2208, A replaced by C.
Molecular consequence: intron variant.
Genome position (GRCh38, 1-based): chr10:93,659,181, A>C. VCF-style: chr10-93659181-A-C. GRCh37 (hg19) VCF-style: chr10-95418938-A-C.
Identifiers: ClinVar variation 301641 (VCV000301641.13), dbSNP rs61701022, ClinGen allele CA5610437.